The following is an entry in ClinVar:

NM_001082486.2(ACD):c.1262C>G (p.Pro421Arg)

Gene: ACD (ACD shelterin complex subunit and telomerase recruitment factor; minus strand). Cytogenetic location: 16q22.1.
Variant type: single nucleotide variant.
Coding change: c.1262C>G on transcript NM_001082486.2 (MANE Select); coding-DNA position 1262, C replaced by G.
Protein change: p.Pro421Arg; replaces proline 421 with arginine.
Molecular consequence: missense variant.
Genome position (GRCh38, 1-based): chr16:67,657,798, G>C on the plus strand (C>G on the coding strand, the complement: ACD is on the minus strand). VCF-style: chr16-67657798-G-C. GRCh37 (hg19) VCF-style: chr16-67691701-G-C.
Other names: c.1253C>G, p.Pro418Arg (NM_022914.3); short protein forms P421R, P418R.
Identifiers: ClinVar variation 1444406 (VCV001444406.6), dbSNP rs149418249, ClinGen allele CA8114386.

ClinVar aggregate classification (germline): Uncertain significance (1 of 4 stars; one submission).

Conditions:
Dyskeratosis congenita, autosomal dominant 6 (DKCA6). Identifiers: Orphanet 3322, MedGen C4225284, MONDO:0014690, OMIM 616553.

Allele frequency attached by ClinVar (database versions not stated): TOPMed below 0.00001; ExAC 0.00001; gnomAD 0.00001; ESP Exome Variant Server 0.00008.
gnomAD v4.1: 6 of 1,613,966 alleles (0.00037%); highest among the groups gnomAD compares: Non-Finnish European, 0.00051%; no homozygotes.

Submission:

Labcorp Genetics (formerly Invitae), Labcorp
Classification: Uncertain significance for Dyskeratosis congenita, autosomal dominant 6. Last evaluated: 2025-09-02. Review status: criteria provided, single submitter. Criteria: Invitae Variant Classification Sherloc (09022015). Collection method: clinical testing. Allele origin: germline.
Comment: This sequence change replaces proline, which is neutral and non-polar, with arginine, which is basic and polar, at codon 507 of the ACD protein (p.Pro507Arg). This variant is present in population databases (rs149418249, gnomAD 0.0009%). This variant has not been reported in the literature in individuals affected with ACD-related conditions. ClinVar contains an entry for this variant (Variation ID: 1444406). Invitae Evidence Modeling of protein sequence and biophysical properties (such as structural, functional, and spatial information, amino acid conservation, physicochemical variation, residue mobility, and thermodynamic stability) indicates that this missense variant is expected to disrupt ACD protein function with a positive predictive value of 80%. In summary, the available evidence is currently insufficient to determine the role of this variant in disease. Therefore, it has been classified as a Variant of Uncertain Significance.